The following is an entry in ClinVar:

NM_018489.3(ASH1L):c.7633G>A (p.Ala2545Thr)

Gene: ASH1L (ASH1 like histone lysine methyltransferase; minus strand). Cytogenetic location: 1q22.
Variant type: single nucleotide variant.
Coding change: c.7633G>A on transcript NM_018489.3 (MANE Select); coding-DNA position 7633, G replaced by A.
Protein change: p.Ala2545Thr; replaces alanine 2545 with threonine.
Molecular consequence: missense variant.
Genome position (GRCh38, 1-based): chr1:155,347,826, C>T on the plus strand (G>A on the coding strand, the complement: ASH1L is on the minus strand). VCF-style: chr1-155347826-C-T. GRCh37 (hg19) VCF-style: chr1-155317617-C-T.
Other names: c.7648G>A, p.Ala2550Thr (NM_001366177.2); short protein forms A2545T, A2550T.
Identifiers: ClinVar variation 2498426 (VCV002498426.28), dbSNP rs1653494360, ClinGen allele CA342738229.

ClinVar aggregate classification (germline): Uncertain significance (1 of 4 stars; one submission).

Allele frequency attached by ClinVar (database versions not stated): TOPMed below 0.00001.

Submission:

CeGaT Center for Human Genetics Tuebingen
Classification: Uncertain significance. Last evaluated: 2024-03-01. Review status: criteria provided, single submitter. Criteria: CeGaT Center For Human Genetics Tuebingen Variant Classification Criteria Version 2. Collection method: clinical testing. Allele origin: germline. Affected: yes. Observed: 2 variant alleles.
Comment: ASH1L: PM2, PP2